The following is an entry in ClinVar:

ClinVar aggregate classification (germline): Benign. Review status: criteria provided, multiple submitters, no conflicts (2 of 4 stars). 2 submissions from 2 submitters: Benign (2). Last evaluated 2018-06-19.

Allele frequency attached by ClinVar (database versions not stated): 1000 Genomes Project 30x 0.14788; 1000 Genomes Project 0.15296; gnomAD 0.16622 and 0.16700; TOPMed 0.17054.
gnomAD v4.1: 264,665 of 1,476,196 alleles (18%); highest among the groups gnomAD compares: Middle Eastern, 24%; 24,655 homozygotes.

Submissions (2):

GeneDx
Classification: Benign. Last evaluated: 2018-06-19. Review status: criteria provided, single submitter. Criteria: GeneDx Variant Classification (06012015). Collection method: clinical testing. Allele origin: germline. Affected: yes.
Comment: This variant is considered likely benign or benign based on one or more of the following criteria: it is a conservative change, it occurs at a poorly conserved position in the protein, it is predicted to be benign by multiple in silico algorithms, and/or has population frequency not consistent with disease.

Breakthrough Genomics
Classification: Benign. Review status: criteria provided, single submitter. Criteria: ACMG Guidelines, 2015. Collection method: not provided. Allele origin: germline. Inheritance: Autosomal recessive inheritance. Affected: yes.

NM_000046.5(ARSB):c.313-77G>A

Gene: ARSB (arylsulfatase B; minus strand). Cytogenetic location: 5q14.1.
Variant type: single nucleotide variant.
Coding change: c.313-77G>A on transcript NM_000046.5 (MANE Select); 77 bases into the intron before coding-DNA position 313, G replaced by A.
Molecular consequence: intron variant.
Genome position (GRCh38, 1-based): chr5:78,969,269, C>T on the plus strand (G>A on the coding strand, the complement: ARSB is on the minus strand). VCF-style: chr5-78969269-C-T. GRCh37 (hg19) VCF-style: chr5-78265092-C-T.
Other names: c.313-77G>A (NM_198709.3).
Identifiers: ClinVar variation 682478 (VCV000682478.2), dbSNP rs918581, ClinGen allele CA15418138.